The following is an entry in ClinVar:

ClinVar aggregate classification (germline): Uncertain significance (1 of 4 stars; one submission).

Allele frequency attached by ClinVar (database versions not stated): gnomAD exomes below 0.00001; TOPMed 0.00001.
gnomAD v4.1: 2 of 1,607,316 alleles (0.00012%); highest among the groups gnomAD compares: Non-Finnish European, 0.000085%; no homozygotes.

Submission:

Labcorp Genetics (formerly Invitae), Labcorp
Classification: Uncertain significance. Last evaluated: 2022-12-07. Review status: criteria provided, single submitter. Criteria: Invitae Variant Classification Sherloc (09022015). Collection method: clinical testing. Allele origin: germline.
Comment: In summary, the available evidence is currently insufficient to determine the role of this variant in disease. Therefore, it has been classified as a Variant of Uncertain Significance. Algorithms developed to predict the effect of missense changes on protein structure and function are either unavailable or do not agree on the potential impact of this missense change (SIFT: "Not Available"; PolyPhen-2: "Benign"; Align-GVGD: "Not Available"). This variant has not been reported in the literature in individuals affected with PISD-related conditions. This variant is not present in population databases (gnomAD no frequency). This sequence change replaces proline, which is neutral and non-polar, with leucine, which is neutral and non-polar, at codon 18 of the PISD protein (p.Pro18Leu).

NM_001326411.2(PISD):c.53C>T (p.Pro18Leu)

Genes: PISD (phosphatidylserine decarboxylase; minus strand), LOC126863123 (P300/CBP strongly-dependent group 1 enhancer GRCh37_chr22:32057235-32058434; plus strand). Cytogenetic location: 22q12.2.
Variant type: single nucleotide variant.
Coding change: c.53C>T on transcript NM_001326411.2 (MANE Select); coding-DNA position 53, C replaced by T.
Protein change: p.Pro18Leu; replaces proline 18 with leucine.
Molecular consequence: missense variant. On other transcripts: 5 prime UTR variant (8).
Genome position (GRCh38, 1-based): chr22:31,662,156, G>A on the plus strand (C>T on the coding strand, the complement: PISD is on the minus strand). VCF-style: chr22-31662156-G-A. GRCh37 (hg19) VCF-style: chr22-32058142-G-A.
Other names: c.53C>T, p.Pro18Leu (NM_001326412.1, NM_001326421.1); c.-97C>T (NM_001326413.2); c.-177C>T (NM_001326414.2); c.-390C>T (NM_001326415.2); c.-579C>T (NM_001326416.2); c.-470C>T (NM_001326417.2, NM_001326419.2); c.-48C>T (NM_001326418.2, NM_001326420.2); short protein forms P18L.
Identifiers: ClinVar variation 3013851 (VCV003013851.3), dbSNP rs1880660563, ClinGen allele CA411298567.